The following is an entry in ClinVar:

NM_002439.5(MSH3):c.1966A>T (p.Ile656Leu)

Gene: MSH3 (mutS homolog 3; plus strand). Cytogenetic location: 5q14.1.
Variant type: single nucleotide variant.
Coding change: c.1966A>T on transcript NM_002439.5 (MANE Select); coding-DNA position 1966, A replaced by T.
Protein change: p.Ile656Leu; replaces isoleucine 656 with leucine.
Molecular consequence: missense variant.
Genome position (GRCh38, 1-based): chr5:80,768,002, A>T. VCF-style: chr5-80768002-A-T. GRCh37 (hg19) VCF-style: chr5-80063821-A-T.
Other names: c.1966A>T (NM_002439.4); short protein forms I656L.
Identifiers: ClinVar variation 1017983 (VCV001017983.14), dbSNP rs761101728, ClinGen allele CA121319908.

ClinVar aggregate classification (germline): Conflicting classifications of pathogenicity. Review status: criteria provided, conflicting classifications (1 of 4 stars). 4 submissions from 4 submitters: Uncertain significance (3); Likely benign (1). Last evaluated 2025-11-04.

Conditions:
Hereditary cancer-predisposing syndrome. Also called: Tumor predisposition; Neoplastic Syndromes, Hereditary; Hereditary neoplastic syndrome; Hereditary Cancer Syndrome. Identifiers: Orphanet 140162, MedGen C0027672, MeSH D009386, MONDO:0015356.
Endometrial carcinoma. Also called: Endometrial carcinoma, somatic. Identifiers: MedGen C0476089, MONDO:0002447, OMIM 608089, HP:0012114.

Allele frequency attached by ClinVar (database versions not stated): TOPMed below 0.00001.
gnomAD v4.1: 1 of 1,613,654 alleles (0.000062%); highest among the groups gnomAD compares: African/African-American, 0.0013%; no homozygotes.

Submissions (4):

Ambry Genetics
Classification: Likely benign for Hereditary cancer-predisposing syndrome. Last evaluated: 2025-11-04. Review status: criteria provided, single submitter. Criteria: Ambry Variant Classification Scheme 2023. Collection method: clinical testing. Allele origin: germline.

Labcorp Genetics (formerly Invitae), Labcorp
Classification: Uncertain significance. Last evaluated: 2025-07-08. Review status: criteria provided, single submitter. Criteria: Invitae Variant Classification Sherloc (09022015). Collection method: clinical testing. Allele origin: germline.
Comment: This sequence change replaces isoleucine, which is neutral and non-polar, with leucine, which is neutral and non-polar, at codon 656 of the MSH3 protein (p.Ile656Leu). This variant is present in population databases (no rsID available, gnomAD 0.007%). This variant has not been reported in the literature in individuals affected with MSH3-related conditions. ClinVar contains an entry for this variant (Variation ID: 1017983). An algorithm developed to predict the effect of missense changes on protein structure and function (PolyPhen-2) suggests that this variant is likely to be tolerated. In summary, the available evidence is currently insufficient to determine the role of this variant in disease. Therefore, it has been classified as a Variant of Uncertain Significance.

Quest Diagnostics Nichols Institute San Juan Capistrano
Classification: Uncertain significance. Last evaluated: 2025-06-16. Review status: criteria provided, single submitter. Criteria: Quest Diagnostics criteria. Collection method: clinical testing. Allele origin: unknown.
Comment: The MSH3 c.1966A>T (p.Ile656Leu) variant has not been reported in individuals with MSH3-related conditions in the published literature. The frequency of this variant in the general population (Genome Aggregation Database) is uninformative in the assessment of its pathogenicity. Analysis of this variant using bioinformatics tools for the prediction of the effect of amino acid changes on protein structure and function yielded predictions that this variant is benign. Based on the available information, we are unable to determine the clinical significance of this variant.

Baylor Genetics
Classification: Uncertain significance for Endometrial carcinoma. Last evaluated: 2024-02-07. Review status: criteria provided, single submitter. Criteria: ACMG Guidelines, 2015. Collection method: clinical testing. Allele origin: unknown.